The following is an entry in ClinVar:

ClinVar aggregate classification (germline): Likely pathogenic (1 of 4 stars; one submission).

Conditions:
Wolman disease (WOLD). Also called: Acid cholesteryl ester hydrolase deficiency, Wolman type; Acid lipase disease; LYSOSOMAL ACID LIPASE DEFICIENCY, ACUTE INFANTILE; LYSOSOMAL ACID LIPASE DEFICIENCY, COMPLETE; LIPA DEFICIENCY, COMPLETE; LAL DEFICIENCY, COMPLETE. Identifiers: Orphanet 75233, MedGen C0043208, MONDO:0019148, OMIM 620151.

Submission:

Labcorp Genetics (formerly Invitae), Labcorp
Classification: Likely pathogenic for Wolman disease. Last evaluated: 2023-02-14. Review status: criteria provided, single submitter. Criteria: Invitae Variant Classification Sherloc (09022015). Collection method: clinical testing. Allele origin: germline.
Comment: This sequence change affects an acceptor splice site in intron 2 of the LIPA gene. It is expected to disrupt RNA splicing. Variants that disrupt the donor or acceptor splice site typically lead to a loss of protein function (PMID: 16199547), and loss-of-function variants in LIPA are known to be pathogenic (PMID: 23485521). This variant is not present in population databases (gnomAD no frequency). In summary, the currently available evidence indicates that the variant is pathogenic, but additional data are needed to prove that conclusively. Therefore, this variant has been classified as Likely Pathogenic. Algorithms developed to predict the effect of sequence changes on RNA splicing suggest that this variant may disrupt the consensus splice site. This variant has not been reported in the literature in individuals affected with LIPA-related conditions.

Literature cited by the submitters: PubMed 16199547; PubMed 23485521.

NM_000235.4(LIPA):c.112-1G>C

Gene: LIPA (lipase A, lysosomal acid type; minus strand). Cytogenetic location: 10q23.31.
Variant type: single nucleotide variant.
Coding change: c.112-1G>C on transcript NM_000235.4 (MANE Select); the canonical splice acceptor site of the intron before coding-DNA position 112, G replaced by C.
Molecular consequence: splice acceptor variant. On other transcripts: intron variant (1).
Genome position (GRCh38, 1-based): chr10:89,245,794, C>G on the plus strand (G>C on the coding strand, the complement: LIPA is on the minus strand). VCF-style: chr10-89245794-C-G. GRCh37 (hg19) VCF-style: chr10-91005551-C-G.
Other names: c.-120+5943G>C (NM_001288979.2); c.112-1G>C (NM_001127605.3).
Identifiers: ClinVar variation 2002985 (VCV002002985.4), dbSNP rs2495641617, ClinGen allele CA377518432.